The following is an entry in ClinVar:

ClinVar aggregate classification (germline): Likely pathogenic (1 of 4 stars; one submission).

Allele frequency attached by ClinVar (database versions not stated): gnomAD exomes below 0.00001.
gnomAD v4.1: 1 of 1,613,794 alleles (0.000062%); highest among the groups gnomAD compares: Non-Finnish European, 0.000085%; no homozygotes.

Submission:

Labcorp Genetics (formerly Invitae), Labcorp
Classification: Likely pathogenic. Last evaluated: 2025-04-01. Review status: criteria provided, single submitter. Criteria: Invitae Variant Classification Sherloc (09022015). Collection method: clinical testing. Allele origin: germline.
Comment: This sequence change replaces isoleucine, which is neutral and non-polar, with valine, which is neutral and non-polar, at codon 566 of the FBXL4 protein (p.Ile566Val). This variant is not present in population databases (gnomAD no frequency). This variant has not been reported in the literature in individuals affected with FBXL4-related conditions. ClinVar contains an entry for this variant (Variation ID: 1524230). Invitae Evidence Modeling of protein sequence and biophysical properties (such as structural, functional, and spatial information, amino acid conservation, physicochemical variation, residue mobility, and thermodynamic stability) has been performed for this missense variant. However, the output from this modeling did not meet the statistical confidence thresholds required to predict the impact of this variant on FBXL4 protein function. This variant disrupts the p.Ile566 amino acid residue in FBXL4. Other variant(s) that disrupt this residue have been determined to be pathogenic (PMID: 28940506). This suggests that this residue is clinically significant, and that variants that disrupt this residue are likely to be disease-causing. In summary, the currently available evidence indicates that the variant is pathogenic, but additional data are needed to prove that conclusively. Therefore, this variant has been classified as Likely Pathogenic.

Literature cited by the submitters: PubMed 28940506.

NM_001278716.2(FBXL4):c.1696A>G (p.Ile566Val)

Gene: FBXL4 (F-box and leucine rich repeat protein 4; minus strand). Cytogenetic location: 6q16.1.
Variant type: single nucleotide variant.
Coding change: c.1696A>G on transcript NM_001278716.2 (MANE Select); coding-DNA position 1696, A replaced by G.
Protein change: p.Ile566Val; replaces isoleucine 566 with valine.
Molecular consequence: missense variant. On other transcripts: non-coding transcript variant (1).
Genome position (GRCh38, 1-based): chr6:98,875,421, T>C on the plus strand (A>G on the coding strand, the complement: FBXL4 is on the minus strand). VCF-style: chr6-98875421-T-C. GRCh37 (hg19) VCF-style: chr6-99323297-T-C.
Other names: c.1696A>G, p.Ile566Val (NM_012160.5); short protein forms I566V.
Identifiers: ClinVar variation 1524230 (VCV001524230.8), dbSNP rs2128375513, ClinGen allele CA365086202.